The following is an entry in ClinVar:

NC_000016.9:g.(?_2125790)_(2132515_?)dup

Gene: TSC2 (TSC complex subunit 2; plus strand). Cytogenetic location: 16p13.3.
Variant type: Duplication.
Identifiers: ClinVar variation 1442604 (VCV001442604.6).

ClinVar aggregate classification (germline): Uncertain significance (1 of 4 stars; one submission).

Conditions:
Tuberous sclerosis 2 (TSC2). Identifiers: Orphanet 805, MedGen C1860707, MONDO:0013199, OMIM 613254.

Submission:

Labcorp Genetics (formerly Invitae), Labcorp
Classification: Uncertain significance for Tuberous sclerosis 2. Last evaluated: 2021-02-14. Review status: criteria provided, single submitter. Criteria: Invitae Variant Classification Sherloc (09022015). Collection method: clinical testing. Allele origin: germline.
Comment: In summary, the available evidence is currently insufficient to determine the role of this variant in disease. Therefore, it has been classified as a Variant of Uncertain Significance. Experimental studies and prediction algorithms are not available or were not evaluated, and the functional significance of this variant is currently unknown. This variant has been observed in individual(s) with clinical features of tuberous sclerosis complex (Invitae). This variant results in a copy number gain of the genomic region encompassing exon(s) 23-32 of the TSC2 gene. While the exact position of this variant cannot be determined from the data, sub-genic copy number gains are generally in tandem (PMID: 25640679). This variant is predicted to be in-frame, and likely preserves the integrity of the reading frame.

Literature cited by the submitters: PubMed 25640679.